The following is an entry in ClinVar:

ClinVar aggregate classification (germline): Pathogenic (0 of 4 stars; one submission).

Conditions:
Pyruvate dehydrogenase E1-alpha deficiency (PDHAD). Also called: ATAXIA, INTERMITTENT, WITH PYRUVATE DEHYDROGENASE DEFICIENCY; ATAXIA WITH LACTIC ACIDOSIS I; ATAXIA, INTERMITTENT, WITH ABNORMAL PYRUVATE METABOLISM; Ataxia, intermittent, with pyruvate dehydrogenase, or decarboxylase, deficiency. Identifiers: Orphanet 79243, MedGen C1839413, MONDO:0010717, OMIM 312170.

Submission:

PDHA1 Study Group, University Children’s Hospital, Paracelsus Medical University
Classification: Pathogenic for Pyruvate dehydrogenase E1-alpha deficiency. Last evaluated: 2024-10-15. Review status: no assertion criteria provided. Collection method: research. Allele origin: germline. Affected: yes. Observed: 3 variant alleles.
Comment: The NM_000284.3:c.1158dup (p.Lys387Ter) change is a nonsense variant in PDHA1 gene. This variant is predicted to escape nonsense-mediated decay (NMD). In total, 3 individuals were diagnosed with PDHA1-related Pyruvate dehydrogenase complex (PDHc) deficiency (MIM #312170). The variant has been reported in 3 published cases (PMIDs: 2537010, 8281161). Last literature search: July 12, 2024. This variant is absent or extremely rare in population-based cohorts in the Genome Aggregation Database (gnomAD). Individuals harboring this variant presented with clinical features compatible with PDHA1-related PDHc deficiency. In summary, this variant meets criteria to be classified as pathogenic (P) for PDHA1-related PDHc deficiency based on the ACMG/AMP criteria applied: PVS1, PM2, PM7 (last assessment October 15, 2024).

Literature cited by the submitters: PubMed 2537010; PubMed 8281161; DOI 10.1093/brain/awaf430.

NM_000284.4(PDHA1):c.1158dup (p.Lys387Ter)

Gene: PDHA1 (pyruvate dehydrogenase E1 subunit alpha 1; plus strand). Cytogenetic location: Xp22.12.
Variant type: Duplication.
Coding change: c.1158dup on transcript NM_000284.4 (MANE Select); coding-DNA position 1158, one base duplicated (T; older notation c.1158dupT).
Protein change: p.Lys387Ter; replaces lysine 387 with a stop codon.
Molecular consequence: nonsense.
Genome position (GRCh38, 1-based): chrX:19,359,638, T duplicated; the last of 3 consecutive T bases (chrX:19,359,636-19,359,638); duplicating any one gives the same sequence. VCF-style (leftmost placement, unchanged base first): chrX-19359635-G-GT. GRCh37 (hg19) VCF-style: chrX-19377753-G-GT.
Other names: c.1272dup, p.Lys425Ter (NM_001173454.2); c.1179dup, p.Lys394Ter (NM_001173455.2); c.1065dup, p.Lys356Ter (NM_001173456.2); short protein forms K356*, K387*, K394*, K425*.
Identifiers: ClinVar variation 4070494 (VCV004070494.1).
Genomic context (GRCh38, chrX:19,359,635, plus strand): 5'-CTACCACATCTACTCCAGCGACCCACCTTTTGAAGTTCGTGGTGCCAATCAGTGGATCAA[G>GT]TTTAAGTCAGTCAGTTAAGGGGAGGAGAAGGAGAGGTTATACCTTCAGGGGGCTACCAGA-3'